The following is an entry in ClinVar:

NM_001018113.3(FANCB):c.196A>C (p.Thr66Pro)

Gene: FANCB (FA complementation group B; minus strand). Cytogenetic location: Xp22.2.
Variant type: single nucleotide variant.
Coding change: c.196A>C on transcript NM_001018113.3 (MANE Select); coding-DNA position 196, A replaced by C.
Protein change: p.Thr66Pro; replaces threonine 66 with proline.
Molecular consequence: missense variant. On other transcripts: non-coding transcript variant (1).
Genome position (GRCh38, 1-based): chrX:14,865,315, T>G on the plus strand (A>C on the coding strand, the complement: FANCB is on the minus strand). VCF-style: chrX-14865315-T-G. GRCh37 (hg19) VCF-style: chrX-14883437-T-G.
Other names: c.196A>C, p.Thr66Pro (NM_001324162.2, NM_152633.4); short protein forms T66P.
Identifiers: ClinVar variation 913590 (VCV000913590.30), dbSNP rs943801800, ClinGen allele CA327063413.

ClinVar aggregate classification (germline): Conflicting classifications of pathogenicity. Review status: criteria provided, conflicting classifications (1 of 4 stars). 5 submissions from 4 submitters: Uncertain significance (4); Likely benign (1). Last evaluated 2026-02-16.

Conditions:
Inborn genetic diseases. Identifiers: MedGen C0950123, MeSH D030342.
Fanconi anemia (FA). Also called: Fanconi's anemia. Identifiers: Orphanet 84, MedGen C0015625, MeSH D005199, MONDO:0019391.
Fanconi anemia complementation group B (FANCB). Also called: FANCB-Related Fanconi Anemia; FANCONI PANCYTOPENIA, TYPE 2. Identifiers: Orphanet 84, MedGen C1845292, MONDO:0010351, OMIM 300514.
VACTERL association, X-linked, with or without hydrocephalus (VACTERLX). Also called: VACTERL Association with Hydrocephalus, X-linked; X-linked VACTERL-H syndrome; VACTERL ASSOCIATION, X-LINKED; VACTERL-H, X-LINKED. Identifiers: Orphanet 3412, MedGen C2931228, MONDO:0010752, OMIM 314390.

Allele frequency attached by ClinVar (database versions not stated): gnomAD exomes 0.00001; gnomAD 0.00002.

Submissions (5):

Ambry Genetics
Classification: Uncertain significance for Inborn genetic diseases. Last evaluated: 2026-02-16. Review status: criteria provided, single submitter. Criteria: Ambry Variant Classification Scheme 2023. Collection method: clinical testing. Allele origin: germline.

Labcorp Genetics (formerly Invitae), Labcorp
Classification: Uncertain significance for Fanconi anemia. Last evaluated: 2025-08-20. Review status: criteria provided, single submitter. Criteria: Invitae Variant Classification Sherloc (09022015). Collection method: clinical testing. Allele origin: germline.
Comment: This sequence change replaces threonine, which is neutral and polar, with proline, which is neutral and non-polar, at codon 66 of the FANCB protein (p.Thr66Pro). This variant is present in population databases (no rsID available, gnomAD 0.003%), including at least one homozygous and/or hemizygous individual. This variant has not been reported in the literature in individuals affected with FANCB-related conditions. ClinVar contains an entry for this variant (Variation ID: 913590). Invitae Evidence Modeling of protein sequence and biophysical properties (such as structural, functional, and spatial information, amino acid conservation, physicochemical variation, residue mobility, and thermodynamic stability) indicates that this missense variant is not expected to disrupt FANCB protein function with a negative predictive value of 80%. In summary, the available evidence is currently insufficient to determine the role of this variant in disease. Therefore, it has been classified as a Variant of Uncertain Significance.

CeGaT Center for Human Genetics Tuebingen
Classification: Likely benign. Last evaluated: 2024-04-01. Review status: criteria provided, single submitter. Criteria: CeGaT Center For Human Genetics Tuebingen Variant Classification Criteria Version 2. Collection method: clinical testing. Allele origin: germline. Affected: yes. Observed: 1 variant allele.
Comment: FANCB: BP4

Illumina Laboratory Services, Illumina
Classification: Uncertain significance for Fanconi anemia complementation group B. Last evaluated: 2018-01-13. Review status: criteria provided, single submitter. Criteria: ICSL Variant Classification Criteria 13 December 2019. Collection method: clinical testing. Allele origin: germline.

Illumina Laboratory Services, Illumina
Classification: Uncertain significance for VACTERL association with hydrocephaly, X-linked. Last evaluated: 2018-01-13. Review status: criteria provided, single submitter. Criteria: ICSL Variant Classification Criteria 13 December 2019. Collection method: clinical testing. Allele origin: germline.